The following is an entry in ClinVar:

NM_001374736.1(DST):c.15143A>T (p.His5048Leu)

Gene: DST (dystonin; minus strand). Cytogenetic location: 6p12.1.
Variant type: single nucleotide variant.
Coding change: c.15143A>T on transcript NM_001374736.1 (MANE Select); coding-DNA position 15143, A replaced by T.
Protein change: p.His5048Leu; replaces histidine 5048 with leucine.
Molecular consequence: missense variant.
Genome position (GRCh38, 1-based): chr6:56,553,649, T>A on the plus strand (A>T on the coding strand, the complement: DST is on the minus strand). VCF-style: chr6-56553649-T-A. GRCh37 (hg19) VCF-style: chr6-56418447-T-A.
Other names: c.8786A>T, p.His2929Leu (NM_001144769.5); c.8372A>T, p.His2791Leu (NM_001144770.2); c.15143A>T, p.His5048Leu (NM_001374722.1); c.14510A>T, p.His4837Leu (NM_001374729.1); c.8252A>T, p.His2751Leu (NM_001374730.1, NM_001386100.1, NM_183380.4); c.15170A>T, p.His5057Leu (NM_001374734.1); c.7274A>T, p.His2425Leu (NM_015548.5); short protein forms H2425L, H2791L, H4837L, H5048L, H5057L, H2751L, H2929L.
Identifiers: ClinVar variation 1481423 (VCV001481423.6), dbSNP rs2152556431, ClinGen allele CA364518083.

ClinVar aggregate classification (germline): Uncertain significance (1 of 4 stars; one submission).

Conditions:
Hereditary sensory and autonomic neuropathy type 6. Also called: Neuropathy, hereditary sensory and autonomic, type VI; HSAN VI. Identifiers: Orphanet 314381, MedGen C3539003, MONDO:0013839, OMIM 614653.
Epidermolysis bullosa simplex 3, localized or generalized intermediate, with BP230 deficiency (EBS3). Also called: Epidermolysis bullosa simplex due to BP230 deficiency; Epidermolysis bullosa simplex, autosomal recessive 2. Identifiers: Orphanet 412181, MedGen C3809470, MONDO:0014180, OMIM 615425.

gnomAD v4.1: 4 of 1,609,830 alleles (0.00025%); highest among the groups gnomAD compares: Non-Finnish European, 0.00034%; no homozygotes.

Submission:

Labcorp Genetics (formerly Invitae), Labcorp
Classification: Uncertain significance for Epidermolysis bullosa simplex 3, localized or generalized intermediate, with BP230 deficiency; Hereditary sensory and autonomic neuropathy type 6. Last evaluated: 2022-11-15. Review status: criteria provided, single submitter. Criteria: Invitae Variant Classification Sherloc (09022015). Collection method: clinical testing. Allele origin: germline.
Comment: The DST gene has multiple clinically relevant transcripts. This variant occurs in alternate transcript NM_015548.4, and corresponds to NM_001723.5:c.*61868A>T in the primary transcript. This sequence change replaces histidine, which is basic and polar, with leucine, which is neutral and non-polar, at codon 2425 of the DST protein (p.His2425Leu). This variant is not present in population databases (gnomAD no frequency). This variant has not been reported in the literature in individuals affected with DST-related conditions. Experimental studies and prediction algorithms are not available or were not evaluated, and the functional significance of this variant is currently unknown. In summary, the available evidence is currently insufficient to determine the role of this variant in disease. Therefore, it has been classified as a Variant of Uncertain Significance.